The following is an entry in ClinVar:

NM_181882.3(PRX):c.3249G>A (p.Pro1083=)

Gene: PRX (periaxin; minus strand). Cytogenetic location: 19q13.2.
Variant type: single nucleotide variant.
Coding change: c.3249G>A on transcript NM_181882.3 (MANE Select); coding-DNA position 3249, G replaced by A.
Protein change: p.Pro1083=; no amino-acid change (proline 1083 retained).
Molecular consequence: synonymous variant. On other transcripts: 3 prime UTR variant (1).
Genome position (GRCh38, 1-based): chr19:40,395,103, C>T on the plus strand (G>A on the coding strand, the complement: PRX is on the minus strand). VCF-style: chr19-40395103-C-T. GRCh37 (hg19) VCF-style: chr19-40901010-C-T.
Other names: c.3534G>A, p.Pro1178= (NM_001411127.1); c.*3454G>A (NM_020956.2).
Identifiers: ClinVar variation 2038885 (VCV002038885.5), dbSNP rs746910596, ClinGen allele CA9443897.

ClinVar aggregate classification (germline): Likely benign. Review status: criteria provided, multiple submitters, no conflicts (2 of 4 stars). 2 submissions from 2 submitters: Likely benign (2). Last evaluated 2026-02-04.

Conditions:
PRX-related disorder. Also called: PRX-related condition; PRX-Related Disorders.
Charcot-Marie-Tooth disease type 4. Also called: Charcot-Marie-Tooth, Type 4; Charcot-Marie-Tooth disease, type IV. Identifiers: Orphanet 64749, MedGen C4082197, MONDO:0018995.

Allele frequency attached by ClinVar (database versions not stated): gnomAD 0.00007; TOPMed 0.00008.

Submissions (2):

PreventionGenetics, part of Exact Sciences
Classification: Likely benign for PRX-related condition. Last evaluated: 2026-02-04. Review status: criteria provided, single submitter. Criteria: ACMG Guidelines, 2015. Collection method: clinical testing. Allele origin: germline.
Comment: This variant is classified as likely benign based on ACMG/AMP sequence variant interpretation guidelines (Richards et al. 2015 PMID: 25741868, with internal and published modifications).

Labcorp Genetics (formerly Invitae), Labcorp
Classification: Likely benign for Charcot-Marie-Tooth disease type 4. Last evaluated: 2025-12-13. Review status: criteria provided, single submitter. Criteria: Invitae Variant Classification Sherloc (09022015). Collection method: clinical testing. Allele origin: germline.